The following is an entry in ClinVar:

ClinVar aggregate classification (germline): Uncertain significance (1 of 4 stars; one submission).

Allele frequency attached by ClinVar (database versions not stated): gnomAD 0.00001; TOPMed 0.00001.

Submission:

Labcorp Genetics (formerly Invitae), Labcorp
Classification: Uncertain significance. Last evaluated: 2021-09-21. Review status: criteria provided, single submitter. Criteria: Invitae Variant Classification Sherloc (09022015). Collection method: clinical testing. Allele origin: germline.
Comment: This variant occurs in a non-coding region of the EYS gene. It does not change the encoded amino acid sequence of the EYS protein. The frequency data for this variant in the population databases is considered unreliable, as metrics indicate insufficient coverage at this position in the ExAC database. This variant has not been reported in the literature in individuals affected with EYS-related conditions. Experimental studies and prediction algorithms are not available or were not evaluated, and the functional significance of this variant is currently unknown. In summary, the available evidence is currently insufficient to determine the role of this variant in disease. Therefore, it has been classified as a Variant of Uncertain Significance.

NM_001142800.2(EYS):c.-437C>T

Gene: EYS (eyes shut homolog; minus strand). Cytogenetic location: 6q12.
Variant type: single nucleotide variant.
Coding change: c.-437C>T on transcript NM_001142800.2 (MANE Select); 437 bases upstream of the start codon, C replaced by T.
Molecular consequence: 5 prime UTR variant.
Genome position (GRCh38, 1-based): chr6:65,639,882, G>A on the plus strand (C>T on the coding strand, the complement: EYS is on the minus strand). VCF-style: chr6-65639882-G-A. GRCh37 (hg19) VCF-style: chr6-66349775-G-A.
Other names: c.-437C>T (NM_001142801.2, NM_001292009.2).
Identifiers: ClinVar variation 1440951 (VCV001440951.3), dbSNP rs1767219359, ClinGen allele CA1089927175.